The following is an entry in ClinVar:

NM_014639.4(SKIC3):c.643-2A>T

Gene: SKIC3 (SKI3 subunit of superkiller complex; minus strand). Cytogenetic location: 5q15.
Variant type: single nucleotide variant.
Coding change: c.643-2A>T on transcript NM_014639.4 (MANE Select); the canonical splice acceptor site of the intron before coding-DNA position 643, A replaced by T.
Molecular consequence: splice acceptor variant.
Genome position (GRCh38, 1-based): chr5:95,536,927, T>A on the plus strand (A>T on the coding strand, the complement: SKIC3 is on the minus strand). VCF-style: chr5-95536927-T-A. GRCh37 (hg19) VCF-style: chr5-94872631-T-A.
Identifiers: ClinVar variation 2902884 (VCV002902884.3), dbSNP rs771111803, ClinGen allele CA360441533.

ClinVar aggregate classification (germline): Likely pathogenic (1 of 4 stars; one submission).

Submission:

Labcorp Genetics (formerly Invitae), Labcorp
Classification: Likely pathogenic. Last evaluated: 2023-06-03. Review status: criteria provided, single submitter. Criteria: Invitae Variant Classification Sherloc (09022015). Collection method: clinical testing. Allele origin: germline.
Comment: This sequence change affects an acceptor splice site in intron 9 of the TTC37 gene. It is expected to disrupt RNA splicing. Variants that disrupt the donor or acceptor splice site typically lead to a loss of protein function (PMID: 16199547), and loss-of-function variants in TTC37 are known to be pathogenic (PMID: 20176027, 21120949). In summary, the currently available evidence indicates that the variant is pathogenic, but additional data are needed to prove that conclusively. Therefore, this variant has been classified as Likely Pathogenic. Algorithms developed to predict the effect of sequence changes on RNA splicing suggest that this variant may disrupt the consensus splice site. Disruption of this splice site has been observed in individual(s) with trichohepatoenteric syndrome (PMID: 29527791). This variant is present in population databases (no rsID available, gnomAD 0.0009%).

Literature cited by the submitters: PubMed 16199547; PubMed 20176027; PubMed 21120949; PubMed 29527791.